The following is an entry in ClinVar:

NM_005502.4(ABCA1):c.3497G>C (p.Gly1166Ala)

Gene: ABCA1 (ATP binding cassette subfamily A member 1; minus strand). Cytogenetic location: 9q31.1.
Variant type: single nucleotide variant.
Coding change: c.3497G>C on transcript NM_005502.4 (MANE Select); coding-DNA position 3497, G replaced by C.
Protein change: p.Gly1166Ala; replaces glycine 1166 with alanine.
Molecular consequence: missense variant.
Genome position (GRCh38, 1-based): chr9:104,817,370, C>G on the plus strand (G>C on the coding strand, the complement: ABCA1 is on the minus strand). VCF-style: chr9-104817370-C-G. GRCh37 (hg19) VCF-style: chr9-107579651-C-G.
Other names: c.3497G>C (NM_005502.3); short protein forms G1166A.
Identifiers: ClinVar variation 1958466 (VCV001958466.3), dbSNP rs2538131494, ClinGen allele CA374318430.
Genomic context (GRCh38, chr9:104,817,370, plus strand): 5'-TAAGAAACCCCAGAGTCCTTACCGATGGTCAGCGTGTCACTCTCATGGTCGCTGCCCAGG[C>G]CAGCATCAGAACTGCTCTGAGAAACACTGTCCTCCTGATGGCAAAGAAGGAGGTGAGAAC-3'
Protein context (NP_005493.2, residues 1156-1176): DSVSQSSSDA[Gly1166Ala]LGSDHESDTL

ClinVar aggregate classification (germline): Uncertain significance. Review status: criteria provided, multiple submitters, no conflicts (2 of 4 stars). 2 submissions from 2 submitters: Uncertain significance (2). Last evaluated 2025-03-25.

Conditions:
Cardiovascular phenotype. Identifiers: MedGen CN230736.

Submissions (2):

Ambry Genetics
Classification: Uncertain significance for Cardiovascular phenotype. Last evaluated: 2025-03-25. Review status: criteria provided, single submitter. Criteria: Ambry Variant Classification Scheme 2023. Collection method: clinical testing. Allele origin: germline.
Comment: The p.G1166A variant (also known as c.3497G>C), located in coding exon 23 of the ABCA1 gene, results from a G to C substitution at nucleotide position 3497. The glycine at codon 1166 is replaced by alanine, an amino acid with similar properties. This amino acid position is conserved. In addition, the in silico prediction for this alteration is inconclusive. Based on the available evidence, the clinical significance of this variant remains unclear.

Labcorp Genetics (formerly Invitae), Labcorp
Classification: Uncertain significance. Last evaluated: 2022-08-04. Review status: criteria provided, single submitter. Criteria: Invitae Variant Classification Sherloc (09022015). Collection method: clinical testing. Allele origin: germline.
Comment: This sequence change replaces glycine, which is neutral and non-polar, with alanine, which is neutral and non-polar, at codon 1166 of the ABCA1 protein (p.Gly1166Ala). This variant is not present in population databases (gnomAD no frequency). This variant has not been reported in the literature in individuals affected with ABCA1-related conditions. Advanced modeling of protein sequence and biophysical properties (such as structural, functional, and spatial information, amino acid conservation, physicochemical variation, residue mobility, and thermodynamic stability) performed at Invitae indicates that this missense variant is not expected to disrupt ABCA1 protein function. In summary, the available evidence is currently insufficient to determine the role of this variant in disease. Therefore, it has been classified as a Variant of Uncertain Significance.